The following is an entry in ClinVar:

NM_001244008.2(KIF1A):c.2264A>G (p.Lys755Arg)

Gene: KIF1A (kinesin family member 1A; minus strand). Cytogenetic location: 2q37.3.
Variant type: single nucleotide variant.
Coding change: c.2264A>G on transcript NM_001244008.2 (MANE Select); coding-DNA position 2264, A replaced by G.
Protein change: p.Lys755Arg; replaces lysine 755 with arginine.
Molecular consequence: missense variant.
Genome position (GRCh38, 1-based): chr2:240,761,230, T>C on the plus strand (A>G on the coding strand, the complement: KIF1A is on the minus strand). VCF-style: chr2-240761230-T-C. GRCh37 (hg19) VCF-style: chr2-241700647-T-C.
Other names: c.2264A>G, p.Lys755Arg (NM_001320705.2, NM_001330289.2, NM_001379638.1); c.2339A>G, p.Lys780Arg (NM_001330290.2, NM_001379631.1, NM_001379634.1 and 2 more transcripts); c.2237A>G, p.Lys746Arg (NM_001379632.1, NM_001379633.1, NM_001379636.1 and 10 more transcripts); c.2312A>G, p.Lys771Arg (NM_001379637.1, NM_001379648.1); short protein forms K746R, K755R, K780R, K771R.
Identifiers: ClinVar variation 532876 (VCV000532876.15), dbSNP rs371402945, ClinGen allele CA2208153.

ClinVar aggregate classification (germline): Uncertain significance. Review status: criteria provided, multiple submitters, no conflicts (2 of 4 stars). 3 submissions from 3 submitters: Uncertain significance (3). Last evaluated 2025-04-08.

Conditions:
Neuropathy, hereditary sensory, type 2C. Also called: KIF1A-Related HSAN2 (HSAN2C); Hereditary sensory and autonomic neuropathy type IIC. Identifiers: Orphanet 970, MedGen C3280168, MONDO:0013634, OMIM 614213.
Intellectual disability, autosomal dominant 9 (NESCAVS). Also called: NESCAV SYNDROME; KIF1A-Related Neurodevelopmental Disorder. Identifiers: Orphanet 662367, MedGen C5393830, MONDO:0013656, OMIM 614255.
Hereditary spastic paraplegia 30. Identifiers: Orphanet 101010, MedGen C5235139, MONDO:0012476.
Inborn genetic diseases. Identifiers: MedGen C0950123, MeSH D030342.

Allele frequency attached by ClinVar (database versions not stated): ExAC 0.00001; gnomAD exomes 0.00002 and 0.00010; gnomAD 0.00005; TOPMed 0.00005; ESP Exome Variant Server 0.00016.
gnomAD v4.1: 152 of 1,611,410 alleles (0.0094%); highest among the groups gnomAD compares: Non-Finnish European, 0.012%; no homozygotes.

Submissions (3):

Labcorp Genetics (formerly Invitae), Labcorp
Classification: Uncertain significance for Hereditary spastic paraplegia 30; Neuropathy, hereditary sensory, type 2C; Intellectual disability, autosomal dominant 9. Last evaluated: 2025-04-08. Review status: criteria provided, single submitter. Criteria: Invitae Variant Classification Sherloc (09022015). Collection method: clinical testing. Allele origin: germline.
Comment: This sequence change replaces lysine, which is basic and polar, with arginine, which is basic and polar, at codon 746 of the KIF1A protein (p.Lys746Arg). This variant is present in population databases (rs371402945, gnomAD 0.004%). This missense change has been observed in individual(s) with clinical features of KIF1A-related conditions (internal data). ClinVar contains an entry for this variant (Variation ID: 532876). An algorithm developed to predict the effect of missense changes on protein structure and function (PolyPhen-2) suggests that this variant is likely to be tolerated. Algorithms developed to predict the effect of sequence changes on RNA splicing suggest that this variant may disrupt the consensus splice site. In summary, the available evidence is currently insufficient to determine the role of this variant in disease. Therefore, it has been classified as a Variant of Uncertain Significance.

Athena Diagnostics
Classification: Uncertain significance. Last evaluated: 2025-03-24. Review status: criteria provided, single submitter. Criteria: Athena Diagnostics Criteria. Collection method: clinical testing. Allele origin: unknown.
Comment: Available data are insufficient to determine the clinical significance of the variant at this time. The frequency of this variant in the general population is uninformative in assessment of its pathogenicity. Polyphen and MutationTaster yielded discordant predictions regarding whether this amino acid change is damaging to the protein. Computational tools yielded predictions that this variant may interfere with normal RNA splicing.

Ambry Genetics
Classification: Uncertain significance for Inborn genetic diseases. Last evaluated: 2022-03-04. Review status: criteria provided, single submitter. Criteria: Ambry Variant Classification Scheme 2023. Collection method: clinical testing. Allele origin: germline.
Comment: The p.K755R variant (also known as c.2264A>G), located in coding exon 23 of the KIF1A gene, results from an A to G substitution at nucleotide position 2264. The lysine at codon 755 is replaced by arginine, an amino acid with highly similar properties. This amino acid position is highly conserved in available vertebrate species. In addition, the in silico prediction for this alteration is inconclusive. The evidence for this gene-disease relationship is limited; therefore, the clinical significance of this alteration is unclear.